The following is an entry in ClinVar:

ClinVar aggregate classification (germline): Uncertain significance. Review status: criteria provided, multiple submitters, no conflicts (2 of 4 stars). 2 submissions from 2 submitters: Uncertain significance (2). Last evaluated 2023-12-13.

Submissions (2):

GeneDx
Classification: Uncertain significance. Last evaluated: 2023-12-13. Review status: criteria provided, single submitter. Criteria: GeneDx Variant Classification Process June 2021. Collection method: clinical testing. Allele origin: germline. Affected: yes.
Comment: Not observed at significant frequency in large population cohorts (gnomAD); In silico analysis supports that this missense variant does not alter protein structure/function; Has not been previously published as pathogenic or benign to our knowledge

Labcorp Genetics (formerly Invitae), Labcorp
Classification: Uncertain significance. Last evaluated: 2023-06-30. Review status: criteria provided, single submitter. Criteria: Invitae Variant Classification Sherloc (09022015). Collection method: clinical testing. Allele origin: germline.
Comment: This sequence change replaces serine, which is neutral and polar, with proline, which is neutral and non-polar, at codon 454 of the HUWE1 protein (p.Ser454Pro). This variant is not present in population databases (gnomAD no frequency). This variant has not been reported in the literature in individuals affected with HUWE1-related conditions. Advanced modeling of protein sequence and biophysical properties (such as structural, functional, and spatial information, amino acid conservation, physicochemical variation, residue mobility, and thermodynamic stability) has been performed at Invitae for this missense variant, however the output from this modeling did not meet the statistical confidence thresholds required to predict the impact of this variant on HUWE1 protein function. In summary, the available evidence is currently insufficient to determine the role of this variant in disease. Therefore, it has been classified as a Variant of Uncertain Significance.

NM_031407.7(HUWE1):c.1360T>C (p.Ser454Pro)

Gene: HUWE1 (HECT, UBA and WWE domain containing E3 ubiquitin protein ligase 1; minus strand). Cytogenetic location: Xp11.22.
Variant type: single nucleotide variant.
Coding change: c.1360T>C on transcript NM_031407.7 (MANE Select); coding-DNA position 1360, T replaced by C.
Protein change: p.Ser454Pro; replaces serine 454 with proline.
Molecular consequence: missense variant.
Genome position (GRCh38, 1-based): chrX:53,627,762, A>G on the plus strand (T>C on the coding strand, the complement: HUWE1 is on the minus strand). VCF-style: chrX-53627762-A-G. GRCh37 (hg19) VCF-style: chrX-53654713-A-G.
Other names: c.1360T>C (NM_031407.4); short protein forms S454P.
Identifiers: ClinVar variation 2730252 (VCV002730252.4), dbSNP rs2527997788, ClinGen allele CA413154702.
Genomic context (GRCh38, chrX:53,627,762, plus strand): 5'-TTAAATTCTGTGCAAAGCATTCCTTGTATAATAATACCTCAAGTCTATAAATGAAGATAG[A>G]AAGTCCACTATGGGATTGAAAAGCTGCCATATCCAGGTTGGTGATAAGGTCAACCACTCT-3'
Protein context (NP_113584.3, residues 444-464): MAAFQSHSGL[Ser454Pro]IFIYRLEHEV